The following is an entry in ClinVar:

ClinVar aggregate classification (germline): Uncertain significance. Review status: criteria provided, multiple submitters, no conflicts (2 of 4 stars). 2 submissions from 2 submitters: Uncertain significance (2). Last evaluated 2024-06-03.

Conditions:
Hypogonadotropic hypogonadism 2 with or without anosmia (HH2). Also called: HYPOGONADOTROPIC HYPOGONADISM 2 WITH OR WITHOUT ANOSMIA, SUSCEPTIBILITY TO; HYPOGONADOTROPIC HYPOGONADISM 2 WITHOUT ANOSMIA, SUSCEPTIBILITY TO; FGFR1-Related GnRH Deficiency (Kallmann Syndrome 2); HYPOGONADOTROPIC HYPOGONADISM 2 WITHOUT ANOSMIA. Identifiers: Orphanet 478, MedGen C1563720, MONDO:0007844, OMIM 147950. Disease mechanism: loss of function.
Pfeiffer syndrome (ACS5). Also called: ACS V. Identifiers: Orphanet 710, MedGen C0220658, MONDO:0007043, OMIM 101600.
Encephalocraniocutaneous lipomatosis (ECCL). Identifiers: Orphanet 2396, MedGen C0406612, MONDO:0013074, OMIM 613001.
Osteoglophonic dysplasia (OGD). Also called: Osteoglophonic dwarfism. Identifiers: Orphanet 2645, MedGen C0432283, MONDO:0008150, OMIM 166250.
Hartsfield-Bixler-Demyer syndrome (HRTFDS). Also called: Holoprosencephaly, ectrodactyly, and bilateral cleft lip/palate; Hartsfield syndrome; FGFR1-Related Hartsfield Syndrome. Identifiers: Orphanet 2117, MedGen C1845146, MONDO:0014196, OMIM 615465. Disease mechanism: loss of function.
Trigonocephaly 1 (TRIGNO1). Identifiers: Orphanet 3366, MedGen C0432122, MONDO:0008603, OMIM 190440.
Jackson-Weiss syndrome (JWS). Also called: CRANIOSYNOSTOSIS, MIDFACIAL HYPOPLASIA, AND FOOT ABNORMALITIES. Identifiers: Orphanet 1540, MedGen C0795998, MONDO:0007400, OMIM 123150. Disease mechanism: loss of function.

Allele frequency attached by ClinVar (database versions not stated): ESP Exome Variant Server 0.00008.
gnomAD v4.1: 1 of 1,601,442 alleles (0.000062%); highest among the groups gnomAD compares: African/African-American, 0.0013%; no homozygotes.

Submissions (2):

Labcorp Genetics (formerly Invitae), Labcorp
Classification: Uncertain significance for Pfeiffer syndrome; Hypogonadotropic hypogonadism 2 with or without anosmia. Last evaluated: 2024-06-03. Review status: criteria provided, single submitter. Criteria: Invitae Variant Classification Sherloc (09022015). Collection method: clinical testing. Allele origin: germline.
Comment: This sequence change replaces alanine, which is neutral and non-polar, with glutamic acid, which is acidic and polar, at codon 94 of the FGFR1 protein (p.Ala94Glu). This variant is not present in population databases (gnomAD no frequency). This variant has not been reported in the literature in individuals affected with FGFR1-related conditions. ClinVar contains an entry for this variant (Variation ID: 2013137). Advanced modeling of protein sequence and biophysical properties (such as structural, functional, and spatial information, amino acid conservation, physicochemical variation, residue mobility, and thermodynamic stability) performed at Invitae indicates that this missense variant is not expected to disrupt FGFR1 protein function with a negative predictive value of 95%. In summary, the available evidence is currently insufficient to determine the role of this variant in disease. Therefore, it has been classified as a Variant of Uncertain Significance.

Fulgent Genetics
Classification: Uncertain significance for Pfeiffer syndrome; Jackson-Weiss syndrome; Hypogonadotropic hypogonadism 2 with or without anosmia; Osteoglophonic dysplasia; Trigonocephaly 1; Encephalocraniocutaneous lipomatosis; Hartsfield-Bixler-Demyer syndrome. Last evaluated: 2024-02-16. Review status: criteria provided, single submitter. Criteria: ACMG Guidelines, 2015. Collection method: clinical testing. Allele origin: germline.

NM_023110.3(FGFR1):c.281C>A (p.Ala94Glu)

Gene: FGFR1 (fibroblast growth factor receptor 1; minus strand). Cytogenetic location: 8p11.23.
Variant type: single nucleotide variant.
Coding change: c.281C>A on transcript NM_023110.3 (MANE Select); coding-DNA position 281, C replaced by A.
Protein change: p.Ala94Glu; replaces alanine 94 with glutamic acid.
Molecular consequence: missense variant. On other transcripts: intron variant (5).
Genome position (GRCh38, 1-based): chr8:38,429,759, G>T on the plus strand (C>A on the coding strand, the complement: FGFR1 is on the minus strand). VCF-style: chr8-38429759-G-T. GRCh37 (hg19) VCF-style: chr8-38287277-G-T.
Other names: c.281C>A, p.Ala94Glu (NM_000604.2, NM_001174063.2, NM_001174065.2 and 4 more transcripts); c.257C>A, p.Ala86Glu (NM_001174064.2); c.380C>A, p.Ala127Glu (NM_001174067.2); c.92-1324C>A (NM_001354368.2, NM_001354370.2, NM_023106.3 and 2 more transcripts); short protein forms A86E, A94E, A127E.
Identifiers: ClinVar variation 2013137 (VCV002013137.5), dbSNP rs150973404, ClinGen allele CA175151782.
Genomic context (GRCh38, chr8:38,429,759, plus strand): 5'-AAGTAGGTGGTGTCACTGCCCGAGGGGCTGCTGGTTACGCAAGCATAGAGGCCGGAGTCT[G>T]CGGGCACGGAGTCCTGCACCTCCACCTCCTCCCCTGTGATGCGGGTGCGGTTGCTTTCCG-3'
Protein context (NP_075598.2, residues 84-104): EEVEVQDSVP[Ala94Glu]DSGLYACVTS